The following is an entry in ClinVar:

NM_000059.4(BRCA2):c.8917C>T (p.Arg2973Cys)

Gene: BRCA2 (BRCA2 DNA repair associated; plus strand). Cytogenetic location: 13q13.1.
Variant type: single nucleotide variant.
Coding change: c.8917C>T on transcript NM_000059.4 (MANE Select); coding-DNA position 8917, C replaced by T.
Protein change: p.Arg2973Cys; replaces arginine 2973 with cysteine.
Molecular consequence: missense variant.
Genome position (GRCh38, 1-based): chr13:32,379,479, C>T. VCF-style: chr13-32379479-C-T. GRCh37 (hg19) VCF-style: chr13-32953616-C-T.
Other names: 9145C>T; short protein forms R2973C.
Identifiers: ClinVar variation 38193 (VCV000038193.55), dbSNP rs45469092, ClinGen allele CA025872.

ClinVar aggregate classification (germline): Benign. Review status: reviewed by expert panel (3 of 4 stars). 20 submissions from 20 submitters: Benign (1). 19 of the submissions do not count toward it. Last evaluated 2015-08-10.

Conditions:
Breast and/or ovarian cancer. Identifiers: MedGen CN221562.
Hereditary cancer-predisposing syndrome. Also called: Neoplastic Syndromes, Hereditary; Tumor predisposition; Hereditary Cancer Syndrome; Hereditary neoplastic syndrome. Identifiers: Orphanet 140162, MedGen C0027672, MeSH D009386, MONDO:0015356.
Hereditary breast ovarian cancer syndrome. Also called: Hereditary breast and ovarian cancer; Breast and ovarian cancer; Hereditary breast and/or ovarian cancer syndrome; Hereditary breast and ovarian cancer syndrome (HBOC); Hereditary breast and ovarian cancer syndrome; BRCA1- and BRCA2-Associated Hereditary Breast and Ovarian Cancer. Identifiers: Orphanet 145, MedGen C0677776, MeSH D061325, MONDO:0003582. Disease mechanism: loss of function.
Breast-ovarian cancer, familial, susceptibility to, 2 (BROVCA2). Also called: BRCA2 Hereditary Breast and Ovarian Cancer. Identifiers: Orphanet 145, MedGen C2675520, MONDO:0012933, OMIM 612555. Disease mechanism: loss of function.

Allele frequency attached by ClinVar (database versions not stated): gnomAD 0.00003; TOPMed 0.00007; ESP Exome Variant Server 0.00008.
gnomAD v4.1: 165 of 1,612,936 alleles (0.01%); highest among the groups gnomAD compares: Non-Finnish European, 0.013%; no homozygotes.

Submissions 1 to 19 of 20:

Evidence-based Network for the Interpretation of Germline Mutant Alleles (ENIGMA)
Classification: Benign for Breast-ovarian cancer, familial 2. Last evaluated: 2015-08-10. Review status: reviewed by expert panel. Criteria: ENIGMA BRCA1/2 Classification Criteria (2015). Collection method: curation. Allele origin: germline.
Comment: IARC class based on posterior probability from multifactorial likelihood analysis, thresholds for class as per Plon et al. 2008 (PMID: 18951446). Class 1 based on posterior probability = 0.00000178

Labcorp Genetics (formerly Invitae), Labcorp
Classification: Benign for Hereditary breast ovarian cancer syndrome. Last evaluated: 2026-01-30. Review status: criteria provided, single submitter. Criteria: Invitae Variant Classification Sherloc (09022015). Collection method: clinical testing. Allele origin: germline. Not counted in ClinVar's aggregate classification.

Mayo Clinic Laboratories, Mayo Clinic
Classification: Benign. Last evaluated: 2025-08-18. Review status: criteria provided, single submitter. Criteria: ACMG Guidelines, 2015. Collection method: clinical testing. Allele origin: germline. Observed: 3 variant alleles. Not counted in ClinVar's aggregate classification.
Comment: BS1_supporting, BS3, BP4, BP5_strong

Quest Diagnostics Nichols Institute San Juan Capistrano
Classification: Likely benign. Last evaluated: 2025-05-13. Review status: criteria provided, single submitter. Criteria: Quest Diagnostics criteria. Collection method: clinical testing. Allele origin: unknown. Not counted in ClinVar's aggregate classification.

CeGaT Center for Human Genetics Tuebingen
Classification: Likely benign. Last evaluated: 2024-07-01. Review status: criteria provided, single submitter. Criteria: CeGaT Center For Human Genetics Tuebingen Variant Classification Criteria Version 2. Collection method: clinical testing. Allele origin: germline. Affected: yes. Observed: 1 variant allele. Not counted in ClinVar's aggregate classification.
Comment: BRCA2: BS3:Supporting

Blueprint Genetics
Classification: Likely benign. Last evaluated: 2024-03-02. Review status: criteria provided, single submitter. Criteria: ACMG Guidelines, 2015. Collection method: clinical testing. Allele origin: germline. Not counted in ClinVar's aggregate classification.

CHEO Genetics Diagnostic Laboratory, Children's Hospital of Eastern Ontario
Classification: Likely benign for Breast and/or ovarian cancer. Last evaluated: 2022-02-11. Review status: criteria provided, single submitter. Criteria: ACMG Guidelines, 2015. Collection method: clinical testing. Allele origin: germline. Study: Canadian Open Genetics Repository. Not counted in ClinVar's aggregate classification.

Sema4
Classification: Likely benign for Hereditary cancer-predisposing syndrome. Last evaluated: 2021-08-26. Review status: criteria provided, single submitter. Criteria: Sema4 Curation Guidelines. Collection method: curation. Allele origin: germline. Not counted in ClinVar's aggregate classification.

Women's Health and Genetics/Laboratory Corporation of America, LabCorp
Classification: Benign. Last evaluated: 2021-07-19. Review status: criteria provided, single submitter. Criteria: LabCorp Variant Classification Summary - May 2015. Collection method: clinical testing. Allele origin: germline. Not counted in ClinVar's aggregate classification.
Comment: Variant summary: BRCA2 c.8917C>T (p.Arg2973Cys) results in a non-conservative amino acid change in the encoded protein sequence. Five of five in-silico tools predict a damaging effect of the variant on protein function. The variant allele was found at a frequency of 2.4e-05 in 249368 control chromosomes (gnomAD). The available data on variant occurrences in the general population are insufficient to allow any conclusion about variant significance. c.8917C>T has been reported in the literature in individuals affected with breast cancer and/or ovarian cancer (Lee_2008, Spearman_2008, Lu_2012, Grant_2015, Ricks-Santi_2017, Solodskikh_2018). These reports do not provide unequivocal conclusions about association of the variant with Hereditary Breast And Ovarian Cancer Syndrome. At least one co-occurrence with another pathogenic variant has been internally reported (BRCA1 c.68_69delAG, p.Glu23fsX17), providing supporting evidence for a benign role. Some functional studies report this variant had no or slight impact on protein function (Farrugia_2008, Guidugli_2017, Mesman_2018). Nine ClinVar submitters (evaluation after 2014) cite the variant as benign (7x) and likely benign (2x). In addition, multifactorial probability models, performing systematic assessments of variants of unknown significance in the BRCA genes, which included analysis of co-occurrence in trans with known deleterious mutations, personal and family history of cancer, tumor pathology and co-segregation with disease in pedigrees, predicted this variant to be neutral (Easton_2007, Lindor_2012). Based on the evidence outlined above, the variant was classified as benign.

PreventionGenetics, part of Exact Sciences
Classification: Likely benign. Last evaluated: 2017-08-15. Review status: criteria provided, single submitter. Criteria: ACMG Guidelines, 2015. Collection method: clinical testing. Allele origin: germline. Not counted in ClinVar's aggregate classification.

Department of Pathology and Molecular Medicine, Queen's University
Classification: Benign. Last evaluated: 2017-04-20. Review status: criteria provided, single submitter. Criteria: ACMG Guidelines, 2015. Collection method: clinical testing. Allele origin: germline. Study: The Canadian Open Genetics Repository (COGR). Not counted in ClinVar's aggregate classification.

ARUP Laboratories, Molecular Genetics and Genomics, ARUP Laboratories
Classification: Benign. Last evaluated: 2016-11-16. Review status: criteria provided, single submitter. Criteria: ARUP Molecular Germline Variant Investigation Process. Collection method: clinical testing. Allele origin: germline. Not counted in ClinVar's aggregate classification.

Color Diagnostics, LLC DBA Color Health
Classification: Benign for Hereditary cancer-predisposing syndrome. Last evaluated: 2016-01-25. Review status: criteria provided, single submitter. Criteria: ACMG Guidelines, 2015. Collection method: clinical testing. Allele origin: germline. Not counted in ClinVar's aggregate classification.

GeneDx
Classification: Benign. Last evaluated: 2015-09-03. Review status: criteria provided, single submitter. Criteria: GeneDx Variant Classification (06012015). Collection method: clinical testing. Allele origin: germline. Affected: yes. Not counted in ClinVar's aggregate classification.
Comment: This variant is considered likely benign or benign based on one or more of the following criteria: it is a conservative change, it occurs at a poorly conserved position in the protein, it is predicted to be benign by multiple in silico algorithms, and/or has population frequency not consistent with disease.

Ambry Genetics
Classification: Benign for Hereditary cancer-predisposing syndrome. Last evaluated: 2014-11-19. Review status: criteria provided, single submitter. Criteria: Ambry Variant Classification Scheme 2023. Collection method: clinical testing. Allele origin: germline. Not counted in ClinVar's aggregate classification.

Counsyl
Classification: Likely benign for Breast-ovarian cancer, familial 2. Last evaluated: 2014-05-01. Review status: no assertion criteria provided. Collection method: literature only. Allele origin: unknown. Inheritance: Autosomal dominant inheritance. Not counted in ClinVar's aggregate classification.

Biesecker Lab/Clinical Genomics Section, National Institutes of Health
Classification: Uncertain significance. Last evaluated: 2012-07-13. Review status: no assertion criteria provided. Collection method: research. Allele origin: germline. Affected: no. Observed: 1 variant allele. Study: ClinSeq. Not counted in ClinVar's aggregate classification.
ClinVar note: Converted during submission from variant of unknown significance to Uncertain significance.

Sharing Clinical Reports Project (SCRP)
Classification: Benign for Breast-ovarian cancer, familial 2. Last evaluated: 2009-11-25. Review status: no assertion criteria provided. Collection method: clinical testing. Allele origin: germline. Not counted in ClinVar's aggregate classification.

Breast Cancer Information Core (BIC) (BRCA2)
Classification: Uncertain significance for Breast-ovarian cancer, familial 2. Last evaluated: 2002-05-29. Review status: no assertion criteria provided. Collection method: clinical testing. Allele origin: germline. Affected: yes. Observed: 14 variant alleles. Not counted in ClinVar's aggregate classification.